The following is an entry in ClinVar:

NM_001204.7(BMPR2):c.1650A>T (p.Ser550=)

Gene: BMPR2 (bone morphogenetic protein receptor type 2; plus strand). Cytogenetic location: 2q33.2.
Variant type: single nucleotide variant.
Coding change: c.1650A>T on transcript NM_001204.7 (MANE Select); coding-DNA position 1650, A replaced by T.
Protein change: p.Ser550=; no amino-acid change (serine 550 retained).
Molecular consequence: synonymous variant.
Genome position (GRCh38, 1-based): chr2:202,555,315, A>T. VCF-style: chr2-202555315-A-T. GRCh37 (hg19) VCF-style: chr2-203420038-A-T.
Identifiers: ClinVar variation 5040149 (VCV005040149.1).

ClinVar aggregate classification (germline): Likely benign (1 of 4 stars; one submission).

gnomAD v4.1: 2 of 1,614,146 alleles (0.00012%); highest among the groups gnomAD compares: East Asian, 0.0022%; no homozygotes.

Submission:

CeGaT Center for Human Genetics Tuebingen
Classification: Likely benign. Last evaluated: 2026-07-01. Review status: criteria provided, single submitter. Criteria: CeGaT Center For Human Genetics Tuebingen Variant Classification Criteria Version 2. Collection method: clinical testing. Allele origin: germline. Affected: yes. Observed: 1 variant allele.
Comment: BMPR2: BP4, BP7